The following is an entry in ClinVar:

ClinVar aggregate classification (germline): Uncertain significance (1 of 4 stars; one submission).

Conditions:
Gorlin syndrome. Also called: Basal cell nevus syndrome; Nevoid Basal Cell Carcinoma Syndrome. Identifiers: Orphanet 377, MedGen C0004779, MONDO:0007187.

Submission:

Labcorp Genetics (formerly Invitae), Labcorp
Classification: Uncertain significance for Gorlin syndrome. Last evaluated: 2020-06-13. Review status: criteria provided, single submitter. Criteria: Invitae Variant Classification Sherloc (09022015). Collection method: clinical testing. Allele origin: germline.
Comment: This variant results in a copy number gain of the genomic region encompassing exons 3-15 of the PTCH1 gene. While the exact position of this variant cannot be determined from the data, sub-genic copy number gains are generally in tandem (PMID: 25640679). This variant is predicted to be in-frame, and likely preserves the integrity of the reading frame. This variant has not been reported in the literature in individuals with PTCH1-related conditions. Experimental studies and prediction algorithms are not available or were not evaluated, and the functional significance of this variant is currently unknown. In summary, the available evidence is currently insufficient to determine the role of this variant in disease. Therefore, it has been classified as a Variant of Uncertain Significance.

Literature cited by the submitters: PubMed 25640679.

NC_000009.11:g.(?_98226337)_(98248166_?)dup

Gene: PTCH1 (patched 1; minus strand). Cytogenetic location: 9q22.32.
Variant type: Duplication.
Identifiers: ClinVar variation 1060910 (VCV001060910.8).